The following is an entry in ClinVar:

ClinVar aggregate classification (germline): Uncertain significance (1 of 4 stars; one submission).

Conditions:
Neurofibromatosis, type 1 (NF1). Also called: VON RECKLINGHAUSEN DISEASE; Neurofibromatosis, type I; NEUROFIBROMATOSIS, TYPE I, SOMATIC; Peripheral type neurofibromatosis. Identifiers: Orphanet 636, MedGen C0027831, MONDO:0018975, OMIM 162200. Disease mechanism: loss of function.

gnomAD v4.1: 1 of 1,610,728 alleles (0.000062%); no homozygotes.

Submission:

Labcorp Genetics (formerly Invitae), Labcorp
Classification: Uncertain significance for Neurofibromatosis, type 1. Last evaluated: 2026-01-28. Review status: criteria provided, single submitter. Criteria: Invitae Variant Classification Sherloc (09022015). Collection method: clinical testing. Allele origin: germline.
Comment: This sequence change replaces histidine, which is basic and polar, with leucine, which is neutral and non-polar, at codon 1727 of the NF1 protein (p.His1727Leu). This variant is not present in population databases (gnomAD no frequency). This variant has not been reported in the literature in individuals affected with NF1-related conditions. Invitae Evidence Modeling of protein sequence and biophysical properties (such as structural, functional, and spatial information, amino acid conservation, physicochemical variation, residue mobility, and thermodynamic stability) indicates that this missense variant is expected to disrupt NF1 protein function with a positive predictive value of 95%. In summary, the available evidence is currently insufficient to determine the role of this variant in disease. Therefore, it has been classified as a Variant of Uncertain Significance.

NM_001042492.3(NF1):c.5243A>T (p.His1748Leu)

Gene: NF1 (neurofibromin 1; plus strand). Cytogenetic location: 17q11.2.
Variant type: single nucleotide variant.
Coding change: c.5243A>T on transcript NM_001042492.3 (MANE Select); coding-DNA position 5243, A replaced by T.
Protein change: p.His1748Leu; replaces histidine 1748 with leucine.
Molecular consequence: missense variant.
Genome position (GRCh38, 1-based): chr17:31,326,227, A>T. VCF-style: chr17-31326227-A-T. GRCh37 (hg19) VCF-style: chr17-29653245-A-T.
Other names: c.5180A>T, p.His1727Leu (NM_000267.4); short protein forms H1727L, H1748L.
Identifiers: ClinVar variation 4800777 (VCV004800777.1).